The following is an entry in ClinVar:

GRCh38/hg38 10q26.3(chr10:131063816-131761750)x3

Genes: TCERG1L (transcription elongation regulator 1 like; minus strand), TCERG1L-AS1 (TCERG1L antisense RNA 1; plus strand), LOC126861097 (P300/CBP strongly-dependent group 1 enhancer GRCh37_chr10:133467536-133468735; plus strand), LOC126861098 (BRD4-independent group 4 enhancer GRCh37_chr10:133584321-133585520; plus strand), LOC130004973 (ATAC-STARR-seq lymphoblastoid active region 4217; plus strand) and 3 more. Cytogenetic location: 10q26.3.
Variant type: copy number gain.
Change: copy number 3 (three copies instead of two) of chr10:131,063,816-131,761,750 (697.9 kb, GRCh38 coordinates, 1-based), cytogenetic band 10q26.3.
Identifiers: ClinVar variation 57399 (VCV000057399.1).

ClinVar aggregate classification (germline): Uncertain significance (1 of 4 stars; one submission).

Submission:

ISCA site 4
Classification: Uncertain significance. Last evaluated: 2011-08-12. Review status: criteria provided, single submitter. Criteria: Kaminsky et al. (Genet Med. 2011). Collection method: clinical testing. Allele origin: unknown. Affected: yes. Observed: 1 variant allele.
Comment: Copy number variation identified through the course of routine clinical cytogenomic testing in postnatal populations. Clinical assertions have been curated as described in Kaminsky et al. 2011.